The following is an entry in ClinVar:

NM_001805.4(CEBPE):c.391C>T (p.Arg131Ter)

Gene: CEBPE (CCAAT enhancer binding protein epsilon; minus strand). Cytogenetic location: 14q11.2.
Variant type: single nucleotide variant.
Coding change: c.391C>T on transcript NM_001805.4 (MANE Select); coding-DNA position 391, C replaced by T.
Protein change: p.Arg131Ter; replaces arginine 131 with a stop codon.
Molecular consequence: nonsense.
Genome position (GRCh38, 1-based): chr14:23,118,701, G>A on the plus strand (C>T on the coding strand, the complement: CEBPE is on the minus strand). VCF-style: chr14-23118701-G-A. GRCh37 (hg19) VCF-style: chr14-23587910-G-A.
Other names: short protein forms R131*.
Identifiers: ClinVar variation 530667 (VCV000530667.8), dbSNP rs760325316, ClinGen allele CA7111222.

ClinVar aggregate classification (germline): Pathogenic (1 of 4 stars; one submission).

Conditions:
Specific granule deficiency. Identifiers: Orphanet 169142, MedGen C0398593, MONDO:0009506.

Allele frequency attached by ClinVar (database versions not stated): TOPMed below 0.00001; ExAC 0.00001; gnomAD exomes 0.00001; gnomAD 0.00003.

Submission:

Labcorp Genetics (formerly Invitae), Labcorp
Classification: Pathogenic for Specific granule deficiency. Last evaluated: 2017-08-27. Review status: criteria provided, single submitter. Criteria: Invitae Variant Classification Sherloc (09022015). Collection method: clinical testing. Allele origin: germline.
Comment: For these reasons, this variant has been classified as Pathogenic. Loss-of-function variants in CEBPE are known to be pathogenic (PMID: 11313242, 11435463). This variant has not been reported in the literature in individuals with CEBPE-related disease. This variant is present in population databases (rs760325316, ExAC no frequency). This sequence change creates a premature translational stop signal (p.Arg131*) in the CEBPE gene. It is expected to result in an absent or disrupted protein product.

Literature cited by the submitters: PubMed 11313242; PubMed 11435463.